The following is an entry in ClinVar:

NM_000092.5(COL4A4):c.739G>T (p.Glu247Ter)

Gene: COL4A4 (collagen type IV alpha 4 chain; minus strand). Cytogenetic location: 2q36.3.
Variant type: single nucleotide variant.
Coding change: c.739G>T on transcript NM_000092.5 (MANE Select); coding-DNA position 739, G replaced by T.
Protein change: p.Glu247Ter; replaces glutamic acid 247 with a stop codon.
Molecular consequence: nonsense.
Genome position (GRCh38, 1-based): chr2:227,104,049, C>A on the plus strand (G>T on the coding strand, the complement: COL4A4 is on the minus strand). VCF-style: chr2-227104049-C-A. GRCh37 (hg19) VCF-style: chr2-227968765-C-A.
Other names: p.(Glu247*); short protein forms E247*.
Identifiers: ClinVar variation 4884683 (VCV004884683.1).
Genomic context (GRCh38, chr2:227,104,049, plus strand): 5'-GACAAAAGTCAGGTGGCTCTACCAACAGGGTGGGTCCAGGAGAACCTTGCTGACCAACCT[C>A]ACCCTTAAAAAAAAAAGCAAGATAATGAAAATTTCATATTAATTTATGTTTTGAAGGTTT-3'

ClinVar aggregate classification (germline): Pathogenic (1 of 4 stars; one submission).

Conditions:
Autosomal dominant Alport syndrome (ATS3A). Also called: Alport syndrome dominant type; Renal failure and sensorineural hearing loss; ALPORT SYNDROME 3A, AUTOSOMAL DOMINANT. Identifiers: Orphanet 63, Orphanet 88918, MedGen C5882663, MONDO:0007086, OMIM 104200.
Hematuria, benign familial, 1 (BFH1). Also called: THIN MEMBRANE NEPHROPATHY. Identifiers: MedGen CN376803, MONDO:0007709, OMIM 141200.

Submission:

Centre de Génétique Humaine, Institut de Pathologie Et de Génétique
Classification: Pathogenic for Hematuria, benign familial, 1; Autosomal dominant Alport syndrome. Last evaluated: 2026-04-29. Review status: criteria provided, single submitter. Criteria: ACMG Guidelines, 2015. Collection method: clinical testing. Allele origin: germline, paternal. Inheritance: Autosomal dominant inheritance. Affected: yes. Observed: 3 variant alleles, 3 heterozygotes. Clinical features observed: Microscopic hematuria (HP:0002907), Moderate albuminuria (HP:0012594), Stage 2 chronic kidney disease (HP:0012624). Segregation with disease observed.
Comment: Nonsense variant predicted to result in protein truncation or nonsense mediated decay in a gene for which loss-of-function is a known mechanism of disease (PVS1). This variant is rare: absent in gnomAD v4.1.0 database (PM2).